The following is an entry in ClinVar:

ClinVar aggregate classification (germline): Likely benign (1 of 4 stars; one submission).

Allele frequency attached by ClinVar (database versions not stated): 1000 Genomes Project 30x 0.00047; TOPMed 0.00059; 1000 Genomes Project 0.00060; ESP Exome Variant Server 0.00077.
gnomAD v4.1: 161 of 1,533,652 alleles (0.01%); highest among the groups gnomAD compares: African/African-American, 0.2%; no homozygotes.

Submission:

GeneDx
Classification: Likely benign. Last evaluated: 2017-06-06. Review status: criteria provided, single submitter. Criteria: GeneDx Variant Classification (06012015). Collection method: clinical testing. Allele origin: germline. Affected: yes.
Comment: This variant is considered likely benign or benign based on one or more of the following criteria: it is a conservative change, it occurs at a poorly conserved position in the protein, it is predicted to be benign by multiple in silico algorithms, and/or has population frequency not consistent with disease.

NM_213649.2(SFXN4):c.-21G>T

Genes: SFXN4 (sideroflexin 4; minus strand), LOC130004825 (ATAC-STARR-seq lymphoblastoid silent region 2869; plus strand). Cytogenetic location: 10q26.11.
Variant type: single nucleotide variant.
Coding change: c.-21G>T on transcript NM_213649.2 (MANE Select); 21 bases upstream of the start codon, G replaced by T.
Molecular consequence: 5 prime UTR variant. On other transcripts: non-coding transcript variant (1).
Genome position (GRCh38, 1-based): chr10:119,165,668, C>A on the plus strand (G>T on the coding strand, the complement: SFXN4 is on the minus strand). VCF-style: chr10-119165668-C-A. GRCh37 (hg19) VCF-style: chr10-120925180-C-A.
Identifiers: ClinVar variation 509983 (VCV000509983.1), dbSNP rs374536351, ClinGen allele CA5714757.